The following is an entry in ClinVar:

NM_012448.4(STAT5B):c.111_113del (p.Trp37_Ile38delinsCys)

Gene: STAT5B (signal transducer and activator of transcription 5B; minus strand). Cytogenetic location: 17q21.2.
Variant type: Deletion.
Coding change: c.111_113del on transcript NM_012448.4 (MANE Select); coding-DNA positions 111 to 113, 3 bases deleted (GAT; older notation c.111_113delGAT).
Protein change: p.Trp37_Ile38delinsCys.
Molecular consequence: inframe indel.
Genome position (GRCh38, 1-based): chr17:42,232,015-42,232,017, ATC deleted on the plus strand (GAT on the coding strand, the reverse complement: STAT5B is on the minus strand). VCF-style (leftmost placement, unchanged base first): chr17-42232014-AATC-A. GRCh37 (hg19) VCF-style: chr17-40384032-AATC-A.
Identifiers: ClinVar variation 4725683 (VCV004725683.1).

ClinVar aggregate classification (germline): Uncertain significance (1 of 4 stars; one submission).

Conditions:
Growth hormone insensitivity with immune dysregulation 1, autosomal recessive. Also called: Laron syndrome with immunodeficiency; GROWTH HORMONE INSENSITIVITY SYNDROME WITH IMMUNE DYSREGULATION 1, AUTOSOMAL RECESSIVE; GROWTH HORMONE INSENSITIVITY DUE TO POSTRECEPTOR DEFECT; LARON SYNDROME DUE TO POSTRECEPTOR DEFECT. Identifiers: Orphanet 220465, MedGen C5435698, MONDO:0100211, OMIM 245590.

Submission:

Labcorp Genetics (formerly Invitae), Labcorp
Classification: Uncertain significance for Growth hormone insensitivity with immune dysregulation 1, autosomal recessive. Last evaluated: 2025-08-19. Review status: criteria provided, single submitter. Criteria: Invitae Variant Classification Sherloc (09022015). Collection method: clinical testing. Allele origin: germline.
Comment: This variant, c.111_113del, is a complex sequence change that results in the deletion of 2 and insertion of 1 amino acid(s) in the STAT5B protein (p.Trp37_Ile38delinsCys). This variant is not present in population databases (gnomAD no frequency). This variant has not been reported in the literature in individuals affected with STAT5B-related conditions. Experimental studies and prediction algorithms are not available or were not evaluated, and the functional significance of this variant is currently unknown. In summary, the available evidence is currently insufficient to determine the role of this variant in disease. Therefore, it has been classified as a Variant of Uncertain Significance.